The following is an entry in ClinVar:

NM_005612.5(REST):c.1786C>T (p.Pro596Ser)

Gene: REST (RE1 silencing transcription factor; plus strand). Cytogenetic location: 4q12.
Variant type: single nucleotide variant.
Coding change: c.1786C>T on transcript NM_005612.5 (MANE Select); coding-DNA position 1786, C replaced by T.
Protein change: p.Pro596Ser; replaces proline 596 with serine.
Molecular consequence: missense variant.
Genome position (GRCh38, 1-based): chr4:56,930,644, C>T. VCF-style: chr4-56930644-C-T. GRCh37 (hg19) VCF-style: chr4-57796810-C-T.
Other names: c.1786C>T, p.Pro596Ser (NM_001193508.2, NM_001363453.3); short protein forms P596S.
Identifiers: ClinVar variation 2486563 (VCV002486563.5), dbSNP rs749346190, ClinGen allele CA2932321.

ClinVar aggregate classification (germline): Uncertain significance. Review status: criteria provided, multiple submitters, no conflicts (2 of 4 stars). 2 submissions from 2 submitters: Uncertain significance (2). Last evaluated 2024-04-22.

Conditions:
Inborn genetic diseases. Identifiers: MedGen C0950123, MeSH D030342.

Allele frequency attached by ClinVar (database versions not stated): TOPMed below 0.00001; ExAC 0.00001; gnomAD 0.00001; gnomAD exomes 0.00001.
gnomAD v4.1: 11 of 1,613,462 alleles (0.00068%); highest among the groups gnomAD compares: Non-Finnish European, 0.00085%; no homozygotes.

Submissions (2):

Labcorp Genetics (formerly Invitae), Labcorp
Classification: Uncertain significance. Last evaluated: 2024-04-22. Review status: criteria provided, single submitter. Criteria: Invitae Variant Classification Sherloc (09022015). Collection method: clinical testing. Allele origin: germline.
Comment: This sequence change replaces proline, which is neutral and non-polar, with serine, which is neutral and polar, at codon 596 of the REST protein (p.Pro596Ser). This variant is present in population databases (rs749346190, gnomAD 0.002%). This variant has not been reported in the literature in individuals affected with REST-related conditions. ClinVar contains an entry for this variant (Variation ID: 2486563). Algorithms developed to predict the effect of missense changes on protein structure and function output the following: SIFT: "Not Available"; PolyPhen-2: "Benign"; Align-GVGD: "Not Available". The serine amino acid residue is found in multiple mammalian species, which suggests that this missense change does not adversely affect protein function. In summary, the available evidence is currently insufficient to determine the role of this variant in disease. Therefore, it has been classified as a Variant of Uncertain Significance.

Ambry Genetics
Classification: Uncertain significance for Inborn genetic diseases. Last evaluated: 2023-02-16. Review status: criteria provided, single submitter. Criteria: Ambry Variant Classification Scheme 2023. Collection method: clinical testing. Allele origin: germline.